The following is an entry in ClinVar:

NM_005359.6(SMAD4):c.1309-2del

Gene: SMAD4 (SMAD family member 4; plus strand). Cytogenetic location: 18q21.2.
Variant type: Deletion.
Coding change: c.1309-2del on transcript NM_005359.6 (MANE Select); the canonical splice acceptor site of the intron before coding-DNA position 1309, one base deleted (A; older notation c.1309-2delA).
Molecular consequence: splice acceptor variant.
Genome position (GRCh38, 1-based): chr18:51,076,636, A deleted; the last of 4 consecutive A bases (chr18:51,076,633-51,076,636); deleting any one gives the same sequence. VCF-style (leftmost placement, unchanged base first): chr18-51076632-TA-T. GRCh37 (hg19) VCF-style: chr18-48603002-TA-T.
Other names: c.1309-2del (NM_001407042.1, NM_001407041.1); c.1309-2delA (NM_005359.5).
Identifiers: ClinVar variation 2862501 (VCV002862501.5), dbSNP rs1910476965, ClinGen allele CA2302986196.

ClinVar aggregate classification (germline): Benign/Likely benign. Review status: criteria provided, multiple submitters, no conflicts (2 of 4 stars). 3 submissions from 3 submitters: Benign (1); Likely benign (2). Last evaluated 2025-03-21.

Conditions:
Juvenile polyposis/hereditary hemorrhagic telangiectasia syndrome (JPHT). Also called: JP/HHT SYNDROME; JUVENILE POLYPOSIS WITH HEREDITARY HEMORRHAGIC TELANGIECTASIA; POLYPOSIS, GENERALIZED JUVENILE, WITH PULMONARY ARTERIOVENOUS MALFORMATION; TELANGIECTASIA, HEREDITARY HEMORRHAGIC, WITH JUVENILE POLYPOSIS COLI; Juvenile Polyposis Syndrome / Hereditary Hemorrhagic Telangiectasia (JPS/HHT). Identifiers: Orphanet 2929, MedGen C1832942, MONDO:0008278, OMIM 175050.
Juvenile polyposis syndrome (JPS). Identifiers: Orphanet 2929, MedGen C0345893, MONDO:0017380, OMIM 174900.
Hereditary cancer-predisposing syndrome. Also called: Neoplastic Syndromes, Hereditary; Tumor predisposition; Hereditary neoplastic syndrome; Hereditary Cancer Syndrome. Identifiers: Orphanet 140162, MedGen C0027672, MeSH D009386, MONDO:0015356.
Familial thoracic aortic aneurysm and aortic dissection (TAAD). Also called: Thoracic aortic aneurysms and dissections. Identifiers: Orphanet 91387, MedGen C4707243, MONDO:0019625.

Submissions (3):

Myriad Genetics, Inc.
Classification: Likely benign for Juvenile polyposis/hereditary hemorrhagic telangiectasia syndrome. Last evaluated: 2025-03-21. Review status: criteria provided, single submitter. Criteria: Myriad Autosomal Dominant, Autosomal Recessive and X-Linked Classification Criteria (2023). Collection method: clinical testing. Allele origin: unknown.
Comment: This variant is considered likely benign. This variant is intronic and is not expected to impact mRNA splicing.

Ambry Genetics
Classification: Likely benign for Hereditary cancer-predisposing syndrome; Familial thoracic aortic aneurysm and aortic dissection. Last evaluated: 2024-12-16. Review status: criteria provided, single submitter. Criteria: Ambry Variant Classification Scheme 2023. Collection method: clinical testing. Allele origin: germline.

Labcorp Genetics (formerly Invitae), Labcorp
Classification: Benign for Juvenile polyposis syndrome. Last evaluated: 2023-11-29. Review status: criteria provided, single submitter. Criteria: Invitae Variant Classification Sherloc (09022015). Collection method: clinical testing. Allele origin: germline.